The following is an entry in ClinVar:

ClinVar aggregate classification (germline): Pathogenic (1 of 4 stars; one submission).

Submission:

Labcorp Genetics (formerly Invitae), Labcorp
Classification: Pathogenic. Last evaluated: 2025-02-06. Review status: criteria provided, single submitter. Criteria: Invitae Variant Classification Sherloc (09022015). Collection method: clinical testing. Allele origin: germline.
Comment: This sequence change creates a premature translational stop signal (p.Pro593Serfs*4) in the ABCA4 gene. It is expected to result in an absent or disrupted protein product. Loss-of-function variants in ABCA4 are known to be pathogenic (PMID: 10958761, 24938718, 25312043, 26780318). This variant is not present in population databases (gnomAD no frequency). This variant has not been reported in the literature in individuals affected with ABCA4-related conditions. For these reasons, this variant has been classified as Pathogenic.

Literature cited by the submitters: PubMed 10958761; PubMed 24938718; PubMed 25312043; PubMed 26780318.

NM_000350.3(ABCA4):c.1775dup (p.Pro593fs)

Gene: ABCA4 (ATP binding cassette subfamily A member 4; minus strand). Cytogenetic location: 1p22.1.
Variant type: Duplication.
Coding change: c.1775dup on transcript NM_000350.3 (MANE Select); coding-DNA position 1775, one base duplicated (G; older notation c.1775dupG).
Protein change: p.Pro593fs; shifts the reading frame from proline 593.
Molecular consequence: frameshift variant.
Genome position (GRCh38, 1-based): chr1:94,062,739, C duplicated on the plus strand (G on the coding strand, the reverse complement: ABCA4 is on the minus strand); the first of 2 consecutive C bases (chr1:94,062,739-94,062,740); duplicating either gives the same sequence. VCF-style (leftmost placement, unchanged base first): chr1-94062738-A-AC. GRCh37 (hg19) VCF-style: chr1-94528294-A-AC.
Other names: c.1775dup, p.Pro593fs (NM_001425324.1); short protein forms P593fs.
Identifiers: ClinVar variation 4712494 (VCV004712494.1).
Genomic context (GRCh38, chr1:94,062,738, plus strand): 5'-CTGCAGATAGGCAAACCCGCCCCAGATGTACCGGAAATCTTCCACGGGATCAGCTCTGGG[A>AC]CCAGAATCCCAATACCTGAGAAGACACAGAGGGACAAAGGATGGGAACGGGCTTGGATAG-3'